The following is an entry in ClinVar:

NM_000057.4(BLM):c.1940T>C (p.Leu647Pro)

Gene: BLM (BLM RecQ like helicase; plus strand). Cytogenetic location: 15q26.1.
Variant type: single nucleotide variant.
Coding change: c.1940T>C on transcript NM_000057.4 (MANE Select); coding-DNA position 1940, T replaced by C.
Protein change: p.Leu647Pro; replaces leucine 647 with proline.
Molecular consequence: missense variant.
Genome position (GRCh38, 1-based): chr15:90,763,023, T>C. VCF-style: chr15-90763023-T-C. GRCh37 (hg19) VCF-style: chr15-91306253-T-C.
Other names: c.1940T>C, p.Leu647Pro (NM_001287246.2, NM_001287247.2); c.815T>C, p.Leu272Pro (NM_001287248.2); short protein forms L647P, L272P.
Identifiers: ClinVar variation 524762 (VCV000524762.11), dbSNP rs1555420162, ClinGen allele CA393844186.

ClinVar aggregate classification (germline): Uncertain significance (1 of 4 stars; one submission).

Conditions:
Bloom syndrome (BLM). Also called: Bloom-Torre-Machacek syndrome. Identifiers: Orphanet 125, MedGen C0005859, MONDO:0008876, OMIM 210900.

Allele frequency attached by ClinVar (database versions not stated): gnomAD exomes below 0.00001.
gnomAD v4.1: 1 of 1,613,854 alleles (0.000062%); highest among the groups gnomAD compares: Non-Finnish European, 0.000085%; no homozygotes.

Submission:

Labcorp Genetics (formerly Invitae), Labcorp
Classification: Uncertain significance for Bloom syndrome. Last evaluated: 2019-06-01. Review status: criteria provided, single submitter. Criteria: Invitae Variant Classification Sherloc (09022015). Collection method: clinical testing. Allele origin: germline.
Comment: This variant has not been reported in the literature in individuals with BLM-related disease. This sequence change replaces leucine with proline at codon 647 of the BLM protein (p.Leu647Pro). The leucine residue is weakly conserved and there is a moderate physicochemical difference between leucine and proline. This variant is not present in population databases (ExAC no frequency). Algorithms developed to predict the effect of missense changes on protein structure and function do not agree on the potential impact of this missense change (SIFT: "Tolerated"; PolyPhen-2: "Possibly Damaging"; Align-GVGD: "Class C0"). In summary, the available evidence is currently insufficient to determine the role of this variant in disease. Therefore, it has been classified as a Variant of Uncertain Significance.